The following is an entry in ClinVar:

NM_002979.5(SCP2):c.1081+4A>G

Gene: SCP2 (sterol carrier protein 2; plus strand). Cytogenetic location: 1p32.3.
Variant type: single nucleotide variant.
Coding change: c.1081+4A>G on transcript NM_002979.5 (MANE Select); 4 bases into the intron after coding-DNA position 1081, A replaced by G.
Molecular consequence: intron variant.
Genome position (GRCh38, 1-based): chr1:52,988,140, A>G. VCF-style: chr1-52988140-A-G. GRCh37 (hg19) VCF-style: chr1-53453812-A-G.
Other names: c.949+4A>G (NM_001193600.2, NM_001007098.3); c.1009+4A>G (NM_001193599.2); c.838+4A>G (NM_001193617.2); c.1081+4A>G (NM_001330587.2).
Identifiers: ClinVar variation 1348336 (VCV001348336.6), dbSNP rs746709357, ClinGen allele CA857286.

ClinVar aggregate classification (germline): Uncertain significance (1 of 4 stars; one submission).

Allele frequency attached by ClinVar (database versions not stated): gnomAD exomes below 0.00001; TOPMed below 0.00001; ExAC 0.00001.

Submission:

Labcorp Genetics (formerly Invitae), Labcorp
Classification: Uncertain significance. Last evaluated: 2023-12-18. Review status: criteria provided, single submitter. Criteria: Invitae Variant Classification Sherloc (09022015). Collection method: clinical testing. Allele origin: germline.
Comment: This sequence change falls in intron 11 of the SCP2 gene. It does not directly change the encoded amino acid sequence of the SCP2 protein. It affects a nucleotide within the consensus splice site. This variant is not present in population databases (gnomAD no frequency). This variant has not been reported in the literature in individuals affected with SCP2-related conditions. ClinVar contains an entry for this variant (Variation ID: 1348336). Variants that disrupt the consensus splice site are a relatively common cause of aberrant splicing (PMID: 17576681, 9536098). Algorithms developed to predict the effect of sequence changes on RNA splicing suggest that this variant is not likely to affect RNA splicing. In summary, the available evidence is currently insufficient to determine the role of this variant in disease. Therefore, it has been classified as a Variant of Uncertain Significance.

Literature cited by the submitters: PubMed 17576681; PubMed 9536098.